The following is an entry in ClinVar:

ClinVar aggregate classification (germline): Uncertain significance (1 of 4 stars; one submission).

Conditions:
Dyskeratosis congenita. Identifiers: Orphanet 1775, MedGen C0265965, MONDO:0015780.

Submission:

Labcorp Genetics (formerly Invitae), Labcorp
Classification: Uncertain significance for Dyskeratosis congenita. Last evaluated: 2024-02-02. Review status: criteria provided, single submitter. Criteria: Invitae Variant Classification Sherloc (09022015). Collection method: clinical testing. Allele origin: germline.
Comment: This sequence change creates a premature translational stop signal (p.Ser409Ilefs*11) in the TINF2 gene. While this is not anticipated to result in nonsense mediated decay, it is expected to disrupt the last 43 amino acid(s) of the TINF2 protein. This variant is not present in population databases (gnomAD no frequency). This variant has not been reported in the literature in individuals affected with TINF2-related conditions. Experimental studies and prediction algorithms are not available or were not evaluated, and the functional significance of this variant is currently unknown. In summary, the available evidence is currently insufficient to determine the role of this variant in disease. Therefore, it has been classified as a Variant of Uncertain Significance.

NM_001099274.3(TINF2):c.1224dup (p.Ser409fs)

Gene: TINF2 (TERF1 interacting nuclear factor 2; minus strand). Cytogenetic location: 14q12.
Variant type: Duplication.
Coding change: c.1224dup on transcript NM_001099274.3 (MANE Select); coding-DNA position 1224, one base duplicated (A; older notation c.1224dupA).
Protein change: p.Ser409fs; shifts the reading frame from serine 409.
Molecular consequence: frameshift variant. On other transcripts: 3 prime UTR variant (1).
Genome position (GRCh38, 1-based): chr14:24,239,929, T duplicated on the plus strand (A on the coding strand, the reverse complement: TINF2 is on the minus strand); the first of 2 consecutive T bases (chr14:24,239,929-24,239,930); duplicating either gives the same sequence. VCF-style (leftmost placement, unchanged base first): chr14-24239928-A-AT. GRCh37 (hg19) VCF-style: chr14-24709134-A-AT.
Other names: c.1119dup, p.Ser374fs (NM_001363668.2); c.*486dup (NM_012461.3); short protein forms S374fs, S409fs.
Identifiers: ClinVar variation 3707602 (VCV003707602.2).